The following is an entry in ClinVar:

ClinVar aggregate classification (germline): Likely pathogenic. Review status: criteria provided, multiple submitters, no conflicts (2 of 4 stars). 2 submissions from 2 submitters: Likely pathogenic (2). Last evaluated 2026-07-10.

Conditions:
POLR1C-related disorder. Also called: POLR1C-related condition; POLR1C-related disorders. Identifiers: MedGen CN239394, MONDO:0700278.
Leukodystrophy, hypomyelinating, 11. Identifiers: Orphanet 88637, MedGen C4225305, MONDO:0014666, OMIM 616494.
Treacher Collins syndrome 3 (TCS3). Also called: POLR1C-Related Treacher Collins Syndrome. Identifiers: Orphanet 861, MedGen C1855433, MONDO:0009558, OMIM 248390.

Submissions (2):

PreventionGenetics, part of Exact Sciences
Classification: Likely pathogenic for POLR1C-related condition. Last evaluated: 2026-07-10. Review status: criteria provided, single submitter. Criteria: ACMG Guidelines, 2015. Collection method: clinical testing. Allele origin: germline.
Comment: The POLR1C c.609delG variant is predicted to result in a frameshift and premature protein termination (p.Pro204Leufs*50). To our knowledge, this variant has not been reported in the literature. This variant is reported in 0.00088% of alleles in individuals of European (Non-Finnish) descent in gnomAD. Frameshift variants in POLR1C are expected to be pathogenic. This variant is interpreted as likely pathogenic.

GeneDx
Classification: Likely pathogenic. Last evaluated: 2026-04-26. Review status: criteria provided, single submitter. Criteria: GeneDx Variant Classification Process June 2021. Collection method: clinical testing. Allele origin: germline.
Comment: Frameshift variant predicted to result in protein truncation or nonsense mediated decay in a gene for which loss of function is a known mechanism of disease; Not observed at significant frequency in large population cohorts (gnomAD); Has not been previously published as pathogenic or benign to our knowledge

NM_203290.4(POLR1C):c.609del (p.Pro204fs)

Gene: POLR1C (RNA polymerase I and III subunit C; plus strand). Cytogenetic location: 6p21.1.
Variant type: Deletion.
Coding change: c.609del on transcript NM_203290.4 (MANE Select); coding-DNA position 609, one base deleted (G; older notation c.609delG).
Protein change: p.Pro204fs; shifts the reading frame from proline 204.
Molecular consequence: frameshift variant.
Genome position (GRCh38, 1-based): chr6:43,520,381, G deleted; the last of 2 consecutive G bases (chr6:43,520,380-43,520,381); deleting either gives the same sequence. VCF-style (leftmost placement, unchanged base first): chr6-43520379-CG-C. GRCh37 (hg19) VCF-style: chr6-43488117-CG-C.
Other names: c.609del, p.Pro204fs (NM_001318876.2, NM_001363658.2); c.609delG (NM_203290.3); short protein forms P204fs.
Identifiers: ClinVar variation 4976792 (VCV004976792.3).